The following is an entry in ClinVar:

NM_015425.6(POLR1A):c.3504T>A (p.Asp1168Glu)

Gene: POLR1A (RNA polymerase I subunit A; minus strand). Cytogenetic location: 2p11.2.
Variant type: single nucleotide variant.
Coding change: c.3504T>A on transcript NM_015425.6 (MANE Select); coding-DNA position 3504, T replaced by A.
Protein change: p.Asp1168Glu; replaces aspartic acid 1168 with glutamic acid.
Molecular consequence: missense variant.
Genome position (GRCh38, 1-based): chr2:86,041,957, A>T on the plus strand (T>A on the coding strand, the complement: POLR1A is on the minus strand). VCF-style: chr2-86041957-A-T. GRCh37 (hg19) VCF-style: chr2-86269080-A-T.
Other names: short protein forms D1168E.
Identifiers: ClinVar variation 3665187 (VCV003665187.2).
Genomic context (GRCh38, chr2:86,041,957, plus strand): 5'-AGAAAGCTCTGATTTCTCATAACTCTTCTCTGTTTGAGCTGCCCACTCTTGACTGTAGTC[A>T]TCAACCTTTGTTTCAAATGTTTCTGACACTGATGCAAAGTAGATGTCAGGACGCCAGACA-3'
Protein context (NP_056240.2, residues 1158-1178): SVSETFETKV[Asp1168Glu]DYSQEWAAQT

ClinVar aggregate classification (germline): Uncertain significance (1 of 4 stars; one submission).

Submission:

Labcorp Genetics (formerly Invitae), Labcorp
Classification: Uncertain significance. Last evaluated: 2024-10-17. Review status: criteria provided, single submitter. Criteria: Invitae Variant Classification Sherloc (09022015). Collection method: clinical testing. Allele origin: germline.
Comment: This sequence change replaces aspartic acid, which is acidic and polar, with glutamic acid, which is acidic and polar, at codon 1168 of the POLR1A protein (p.Asp1168Glu). This variant is not present in population databases (gnomAD no frequency). This variant has not been reported in the literature in individuals affected with POLR1A-related conditions. Invitae Evidence Modeling of protein sequence and biophysical properties (such as structural, functional, and spatial information, amino acid conservation, physicochemical variation, residue mobility, and thermodynamic stability) indicates that this missense variant is not expected to disrupt POLR1A protein function with a negative predictive value of 80%. In summary, the available evidence is currently insufficient to determine the role of this variant in disease. Therefore, it has been classified as a Variant of Uncertain Significance.